The following is an entry in ClinVar:

ClinVar aggregate classification (germline): Uncertain significance (1 of 4 stars; one submission).

gnomAD v4.1: 200 of 1,613,008 alleles (0.012%); highest among the groups gnomAD compares: Non-Finnish European, 0.016%; no homozygotes.

Submission:

GeneDx
Classification: Uncertain significance. Last evaluated: 2025-05-14. Review status: criteria provided, single submitter. Criteria: GeneDx Variant Classification Process June 2021. Collection method: clinical testing. Allele origin: germline. Affected: yes.
Comment: In silico analysis suggests that this missense variant does not alter protein structure/function; Has not been previously published as pathogenic or benign to our knowledge

NM_001378328.1(CELSR1):c.2422A>G (p.Ile808Val)

Gene: CELSR1 (cadherin EGF LAG seven-pass G-type receptor 1; minus strand). Cytogenetic location: 22q13.31.
Variant type: single nucleotide variant.
Coding change: c.2422A>G on transcript NM_001378328.1 (MANE Select); coding-DNA position 2422, A replaced by G.
Protein change: p.Ile808Val; replaces isoleucine 808 with valine.
Molecular consequence: missense variant.
Genome position (GRCh38, 1-based): chr22:46,534,749, T>C on the plus strand (A>G on the coding strand, the complement: CELSR1 is on the minus strand). VCF-style: chr22-46534749-T-C. GRCh37 (hg19) VCF-style: chr22-46930646-T-C.
Other names: c.2422A>G, p.Ile808Val (NM_014246.4); short protein forms I808V.
Identifiers: ClinVar variation 4529669 (VCV004529669.1).
Genomic context (GRCh38, chr22:46,534,749, plus strand): 5'-TCACGTAGGTGATGCGGGCATTCTCTCCTGTGTCCTCATCGTTGGCACTGAGGGTAGCAA[T>C]GGAGGTGCCCACAGGCCTGTCCTCACTGACACTCACTGTGTAATGGGAGCTCTGAAAGAC-3'
Protein context (NP_001365257.1, residues 798-818): VSEDRPVGTS[Ile808Val]ATLSANDEDT